The following is an entry in ClinVar:

NM_021629.4(GNB4):c.388G>C (p.Glu130Gln)

Gene: GNB4 (G protein subunit beta 4; minus strand). Cytogenetic location: 3q26.33.
Variant type: single nucleotide variant.
Coding change: c.388G>C on transcript NM_021629.4 (MANE Select); coding-DNA position 388, G replaced by C.
Protein change: p.Glu130Gln; replaces glutamic acid 130 with glutamine.
Molecular consequence: missense variant.
Genome position (GRCh38, 1-based): chr3:179,414,927, C>G on the plus strand (G>C on the coding strand, the complement: GNB4 is on the minus strand). VCF-style: chr3-179414927-C-G. GRCh37 (hg19) VCF-style: chr3-179132715-C-G.
Other names: short protein forms E130Q.
Identifiers: ClinVar variation 2815558 (VCV002815558.3), dbSNP rs2473904223, ClinGen allele CA355469958.

ClinVar aggregate classification (germline): Uncertain significance (1 of 4 stars; one submission).

Conditions:
Charcot-Marie-Tooth disease dominant intermediate F. Identifiers: Orphanet 352670, MedGen C4749463, MONDO:0014074, OMIM 615185.

Submission:

Labcorp Genetics (formerly Invitae), Labcorp
Classification: Uncertain significance for Charcot-Marie-Tooth disease dominant intermediate F. Last evaluated: 2022-11-22. Review status: criteria provided, single submitter. Criteria: Invitae Variant Classification Sherloc (09022015). Collection method: clinical testing. Allele origin: germline.
Comment: In summary, the available evidence is currently insufficient to determine the role of this variant in disease. Therefore, it has been classified as a Variant of Uncertain Significance. Advanced modeling of protein sequence and biophysical properties (such as structural, functional, and spatial information, amino acid conservation, physicochemical variation, residue mobility, and thermodynamic stability) performed at Invitae indicates that this missense variant is not expected to disrupt GNB4 protein function. This variant has not been reported in the literature in individuals affected with GNB4-related conditions. This variant is not present in population databases (gnomAD no frequency). This sequence change replaces glutamic acid, which is acidic and polar, with glutamine, which is neutral and polar, at codon 130 of the GNB4 protein (p.Glu130Gln).